The following is an entry in ClinVar:

NM_018238.4(AGK):c.-36dup

Gene: AGK (acylglycerol kinase; plus strand). Cytogenetic location: 7q34.
Variant type: Duplication.
Coding change: c.-36dup on transcript NM_018238.4 (MANE Select); 36 bases upstream of the start codon, one base duplicated (G; older notation c.-36dupG).
Molecular consequence: 5 prime UTR variant.
Genome position (GRCh38, 1-based): chr7:141,551,413, G duplicated. VCF-style (leftmost placement, unchanged base first): chr7-141551412-A-AG. GRCh37 (hg19) VCF-style: chr7-141251212-A-AG.
Other names: c.-36dup (NM_001364948.3); c.-36dupG (NM_018238.3).
Identifiers: ClinVar variation 512099 (VCV000512099.1), dbSNP rs1268124826, ClinGen allele CA578425824.

ClinVar aggregate classification (germline): Likely benign (1 of 4 stars; one submission).

Allele frequency attached by ClinVar (database versions not stated): TOPMed below 0.00001; gnomAD 0.00001.

Submission:

GeneDx
Classification: Likely benign. Last evaluated: 2017-10-03. Review status: criteria provided, single submitter. Criteria: GeneDx Variant Classification (06012015). Collection method: clinical testing. Allele origin: germline. Affected: yes.
Comment: This variant is considered likely benign or benign based on one or more of the following criteria: it is a conservative change, it occurs at a poorly conserved position in the protein, it is predicted to be benign by multiple in silico algorithms, and/or has population frequency not consistent with disease.